The following is an entry in ClinVar:

ClinVar aggregate classification (germline): Uncertain significance. Review status: criteria provided, multiple submitters, no conflicts (2 of 4 stars). 2 submissions from 2 submitters: Uncertain significance (2). Last evaluated 2021-10-08.

Conditions:
Sialidosis type 2. Also called: NEURAMINIDASE DEFICIENCY; GLYCOPROTEIN NEURAMINIDASE DEFICIENCY; LIPOMUCOPOLYSACCHARIDOSIS; ML I; NEU DEFICIENCY; NEUG DEFICIENCY. Identifiers: Orphanet 812, Orphanet 87876, MedGen C4282398, MONDO:0009738, OMIM 256550.

Allele frequency attached by ClinVar (database versions not stated): ExAC 0.00002; gnomAD exomes 0.00002 and 0.00003; TOPMed 0.00002; gnomAD 0.00003 and 0.00004.

Submissions (2):

Labcorp Genetics (formerly Invitae), Labcorp
Classification: Uncertain significance. Last evaluated: 2021-10-08. Review status: criteria provided, single submitter. Criteria: Invitae Variant Classification Sherloc (09022015). Collection method: clinical testing. Allele origin: germline.
Comment: This sequence change replaces arginine with tryptophan at codon 397 of the NEU1 protein (p.Arg397Trp). The arginine residue is moderately conserved and there is a moderate physicochemical difference between arginine and tryptophan. This variant is present in population databases (rs765074909, ExAC 0.003%). This variant has not been reported in the literature in individuals affected with NEU1-related conditions. ClinVar contains an entry for this variant (Variation ID: 904517). Algorithms developed to predict the effect of missense changes on protein structure and function are either unavailable or do not agree on the potential impact of this missense change (SIFT: "Deleterious"; PolyPhen-2: "Possibly Damaging"; Align-GVGD: "Class C0"). In summary, the available evidence is currently insufficient to determine the role of this variant in disease. Therefore, it has been classified as a Variant of Uncertain Significance.

Illumina Laboratory Services, Illumina
Classification: Uncertain significance for Sialidosis type 2. Last evaluated: 2018-01-13. Review status: criteria provided, single submitter. Criteria: ICSL Variant Classification Criteria 13 December 2019. Collection method: clinical testing. Allele origin: germline.

NM_000434.4(NEU1):c.1189C>T (p.Arg397Trp)

Gene: NEU1 (neuraminidase 1; minus strand). Cytogenetic location: 6p21.33.
Variant type: single nucleotide variant.
Coding change: c.1189C>T on transcript NM_000434.4 (MANE Select); coding-DNA position 1189, C replaced by T.
Protein change: p.Arg397Trp; replaces arginine 397 with tryptophan.
Molecular consequence: missense variant.
Genome position (GRCh38, 1-based): chr6:31,859,778, G>A on the plus strand (C>T on the coding strand, the complement: NEU1 is on the minus strand). VCF-style: chr6-31859778-G-A. GRCh37 (hg19) VCF-style: chr6-31827555-G-A.
Other names: short protein forms R397W.
Identifiers: ClinVar variation 904517 (VCV000904517.6), dbSNP rs765074909, ClinGen allele CA3724865.